The following is an entry in ClinVar:

NM_000552.5(VWF):c.4381G>A (p.Ala1461Thr)

Gene: VWF (von Willebrand factor; minus strand). Cytogenetic location: 12p13.31.
Variant type: single nucleotide variant.
Coding change: c.4381G>A on transcript NM_000552.5 (MANE Select); coding-DNA position 4381, G replaced by A.
Protein change: p.Ala1461Thr; replaces alanine 1461 with threonine.
Molecular consequence: missense variant.
Genome position (GRCh38, 1-based): chr12:6,019,037, C>T on the plus strand (G>A on the coding strand, the complement: VWF is on the minus strand). VCF-style: chr12-6019037-C-T. GRCh37 (hg19) VCF-style: chr12-6128203-C-T.
Other names: short protein forms A1461T.
Identifiers: ClinVar variation 993703 (VCV000993703.8), dbSNP rs1944097477, ClinGen allele CA383502280.

ClinVar aggregate classification (germline): Uncertain significance (1 of 4 stars; one submission).

Submission:

ARUP Laboratories, Molecular Genetics and Genomics, ARUP Laboratories
Classification: Uncertain significance. Last evaluated: 2019-07-23. Review status: criteria provided, single submitter. Criteria: ARUP Molecular Germline Variant Investigation Process. Collection method: clinical testing. Allele origin: germline.
Comment: The VWF c.4381G>A; p.Ala1461Thr variant, to our knowledge, is not reported in the medical literature or gene-specific databases. The variant is also absent from general population databases (Exome Variant Server, Genome Aggregation Database), indicating it is not a common polymorphism. Other variants in this codon, p.Ala1461Asp and p.Ala1461Val, have been reported in individuals with VWD type 2B and are considered pathogenic (Gadisseur 2009, Hilbert 1995, Langer 2014). The alanine at this position is moderately conserved and computational analyses (SIFT, PolyPhen-2) predict that this variant is deleterious. However, given the lack of clinical and functional data, the significance of the p.Ala1461Thr variant is uncertain at this time. References: Gadisseur A et al. Dominant von Willebrand disease type 2M and 2U are variable expressions of one distinct disease entity caused by loss-of-function mutations in the A1 domain of the von Willebrand factor gene. Acta Haematol. 2009;121(2-3):145-53. Hilbert L et al. Effects of different amino-acid substitutions in the leucine 694-proline 708 segment of recombinant von Willebrand factor. Br J Haematol. 1995 Dec;91(4):983-90. Langer F et al. Characterisation of the p.A1461D mutation causing von Willebrand disease type 2B with severe thrombocytopenia, circulating giant platelets, and defective a-granule secretion. Thromb Haemost. 2014 Apr 1;111(4):777-9.